The following is an entry in ClinVar:

ClinVar aggregate classification (germline): Pathogenic (1 of 4 stars; one submission).

Conditions:
Familial adenomatous polyposis 1 (FAP1). Also called: FAMILIAL ADENOMATOUS POLYPOSIS 1, ATTENUATED; POLYPOSIS, ADENOMATOUS INTESTINAL. Identifiers: MedGen C2713442, MONDO:0021056, OMIM 175100. Disease mechanism: loss of function.

Submission:

Labcorp Genetics (formerly Invitae), Labcorp
Classification: Pathogenic for Familial adenomatous polyposis 1. Last evaluated: 2024-08-31. Review status: criteria provided, single submitter. Criteria: Invitae Variant Classification Sherloc (09022015). Collection method: clinical testing. Allele origin: germline.
Comment: This sequence change creates a premature translational stop signal (p.Asn558Ilefs*12) in the APC gene. It is expected to result in an absent or disrupted protein product. Loss-of-function variants in APC are known to be pathogenic (PMID: 17963004, 20685668). This variant is not present in population databases (gnomAD no frequency). This premature translational stop signal has been observed in individual(s) with familial adenomatous polyposis (PMID: 16478792). For these reasons, this variant has been classified as Pathogenic.

Literature cited by the submitters: PubMed 17963004; PubMed 20685668; PubMed 16478792.

NM_000038.6(APC):c.1673del (p.Asn558fs)

Gene: APC (APC regulator of Wnt signaling pathway; plus strand). Cytogenetic location: 5q22.2.
Variant type: Deletion.
Coding change: c.1673del on transcript NM_000038.6 (MANE Select); coding-DNA position 1673, one base deleted (A; older notation c.1673delA).
Protein change: p.Asn558fs; shifts the reading frame from asparagine 558.
Molecular consequence: frameshift variant.
Genome position (GRCh38, 1-based): chr5:112,828,902, A deleted; the last of 3 consecutive A bases (chr5:112,828,900-112,828,902); deleting any one gives the same sequence. VCF-style (leftmost placement, unchanged base first): chr5-112828899-TA-T. GRCh37 (hg19) VCF-style: chr5-112164596-TA-T.
Other names: c.1673del, p.Asn558fs (NM_001127510.3, NM_001354895.2, NM_001407450.1); c.1619del, p.Asn540fs (NM_001127511.3); c.1727del, p.Asn576fs (NM_001354896.2, NM_001407447.1, NM_001407448.1 and 1 more transcripts); c.1703del, p.Asn568fs (NM_001354897.2); c.1598del, p.Asn533fs (NM_001354898.2); c.1589del, p.Asn530fs (NM_001354899.2); c.1550del, p.Asn517fs (NM_001354900.2); c.1496del, p.Asn499fs (NM_001354901.2, NM_001407453.1); and 11 more; short protein forms N275fs, N499fs, N517fs, N548fs, N558fs, N174fs, N429fs, N432fs.
Identifiers: ClinVar variation 3720638 (VCV003720638.2).